The following is an entry in ClinVar:

NM_000277.3(PAH):c.981T>G (p.Phe327Leu)

Gene: PAH (phenylalanine hydroxylase; minus strand). Cytogenetic location: 12q23.2.
Variant type: single nucleotide variant.
Coding change: c.981T>G on transcript NM_000277.3 (MANE Select); coding-DNA position 981, T replaced by G.
Protein change: p.Phe327Leu; replaces phenylalanine 327 with leucine.
Molecular consequence: missense variant.
Genome position (GRCh38, 1-based): chr12:102,844,420, A>C on the plus strand (T>G on the coding strand, the complement: PAH is on the minus strand). VCF-style: chr12-102844420-A-C. GRCh37 (hg19) VCF-style: chr12-103238198-A-C.
Other names: c.981T>G, p.Phe327Leu (NM_001354304.2); short protein forms F327L.
Identifiers: ClinVar variation 102922 (VCV000102922.2), dbSNP rs199475642, ClinGen allele CA229889.

ClinVar aggregate classification (germline): Uncertain significance. Review status: reviewed by expert panel (3 of 4 stars). 2 submissions from 2 submitters: Uncertain significance (1). 1 of the submissions does not count toward it. Last evaluated 2020-04-03.

Conditions:
Phenylketonuria (PKU). Also called: Phenylketonuria (PKU); FOLLING DISEASE; OLIGOPHRENIA PHENYLPYRUVICA; Phenylketonurias. Identifiers: Orphanet 716, MedGen C0031485, MONDO:0009861, OMIM 261600. Disease mechanism: loss of function.

Submissions (2):

ClinGen PAH Variant Curation Expert Panel
Classification: Uncertain significance for Phenylketonuria. Last evaluated: 2020-04-03. Review status: reviewed by expert panel. Criteria: ClinGen PAH ACMG Specifications v1. Collection method: curation. Allele origin: germline. Inheritance: Autosomal recessive inheritance.
Comment: Multiple lines of computational evidence support a deleterious effect. In summary, this variant meets criteria to be classified as uncertain significance for PAH. PAH-specific ACMG/AMP criteria applied: PP4_Moderate, PM2, PP3.

DeBelle Laboratory for Biochemical Genetics, MUHC/MCH RESEARCH INSTITUTE
No classification provided. Review status: no classification provided. Collection method: not provided. Allele origin: not provided. Not counted in ClinVar's aggregate classification.

Literature cited by the submitters: PubMed 10394930 (cited by ClinGen PAH Variant Curation Expert Panel); PubMed 9634518 (cited by ClinGen PAH Variant Curation Expert Panel).